The following is an entry in ClinVar:

NC_000011.9:g.(?_119077128)_(119077342_?)dup

Gene: CBL (Cbl proto-oncogene; plus strand). Cytogenetic location: 11q23.3.
Variant type: Duplication.
Identifiers: ClinVar variation 2425314 (VCV002425314.4).

ClinVar aggregate classification (germline): Uncertain significance (1 of 4 stars; one submission).

Conditions:
RASopathy. Also called: Noonan spectrum disorder; rasopathies. Identifiers: Orphanet 536391, MedGen C5555857, MONDO:0021060.

Submission:

Labcorp Genetics (formerly Invitae), Labcorp
Classification: Uncertain significance for RASopathy. Last evaluated: 2021-10-21. Review status: criteria provided, single submitter. Criteria: Invitae Variant Classification Sherloc (09022015). Collection method: clinical testing. Allele origin: germline.
Comment: This variant results in a copy number gain of the genomic region encompassing exon(s) 1 of the CBL gene. This region includes the initiator codon of the gene. This copy number gain extends beyond the assayed region for this gene and therefore may encompass additional genes. As the precise location of this event is unknown, it may be in tandem or it may be located elsewhere in the genome. This variant has not been reported in the literature in individuals affected with CBL-related conditions. Experimental studies and prediction algorithms are not available or were not evaluated, and the functional significance of this variant is currently unknown. In summary, the available evidence is currently insufficient to determine the role of this variant in disease. Therefore, it has been classified as a Variant of Uncertain Significance.